The following is an entry in ClinVar:

ClinVar aggregate classification (germline): Uncertain significance (1 of 4 stars; one submission).

Conditions:
Hyper-IgE recurrent infection syndrome 3, autosomal recessive. Also called: Autosomal recessive hyper-IgE syndrome due to ZNF341 deficiency; HYPER-IgE SYNDROME 3, AUTOSOMAL RECESSIVE, WITH RECURRENT INFECTIONS. Identifiers: Orphanet 641368, MedGen C4748969, MONDO:0032654, OMIM 618282.

Allele frequency attached by ClinVar (database versions not stated): gnomAD exomes below 0.00001; TOPMed below 0.00001.
gnomAD v4.1: 3 of 1,614,180 alleles (0.00019%); highest among the groups gnomAD compares: Non-Finnish European, 0.00025%; no homozygotes.

Submission:

Labcorp Genetics (formerly Invitae), Labcorp
Classification: Uncertain significance for Combined immunodeficiency due to DOCK8 deficiency. Last evaluated: 2023-04-24. Review status: criteria provided, single submitter. Criteria: Invitae Variant Classification Sherloc (09022015). Collection method: clinical testing. Allele origin: germline.
Comment: This variant is not present in population databases (gnomAD no frequency). In summary, the available evidence is currently insufficient to determine the role of this variant in disease. Therefore, it has been classified as a Variant of Uncertain Significance. Advanced modeling of protein sequence and biophysical properties (such as structural, functional, and spatial information, amino acid conservation, physicochemical variation, residue mobility, and thermodynamic stability) performed at Invitae indicates that this missense variant is not expected to disrupt DOCK8 protein function. ClinVar contains an entry for this variant (Variation ID: 1006813). This variant has not been reported in the literature in individuals affected with DOCK8-related conditions. This sequence change replaces asparagine, which is neutral and polar, with tyrosine, which is neutral and polar, at codon 1784 of the DOCK8 protein (p.Asn1784Tyr).

NM_203447.4(DOCK8):c.5350A>T (p.Asn1784Tyr)

Gene: DOCK8 (dedicator of cytokinesis 8; plus strand). Cytogenetic location: 9p24.3.
Variant type: single nucleotide variant.
Coding change: c.5350A>T on transcript NM_203447.4 (MANE Select); coding-DNA position 5350, A replaced by T.
Protein change: p.Asn1784Tyr; replaces asparagine 1784 with tyrosine.
Molecular consequence: missense variant.
Genome position (GRCh38, 1-based): chr9:441,412, A>T. VCF-style: chr9-441412-A-T. GRCh37 (hg19) VCF-style: chr9-441412-A-T.
Other names: c.5050A>T, p.Asn1684Tyr (NM_001190458.2); c.5146A>T, p.Asn1716Tyr (NM_001193536.2); short protein forms N1684Y, N1716Y, N1784Y.
Identifiers: ClinVar variation 1006813 (VCV001006813.5), dbSNP rs2057090611, ClinGen allele CA372768202.
Genomic context (GRCh38, chr9:441,412, plus strand): 5'-GAATTCCGGAAGCTGACACTCACTCACAGCAAGCTGCAGAGAGCCTTCGACAGCATCGTT[A>T]ACAAGGTAGCCGGGGAGCCTGGCTGGCAGGTCTTGTTACCTGGTGGCAGGCGACCCTGTC-3'
Protein context (NP_982272.2, residues 1774-1794): KLQRAFDSIV[Asn1784Tyr]KDHKRMFGTY